The following is an entry in ClinVar:

ClinVar aggregate classification (germline): Likely pathogenic (1 of 4 stars; one submission).

Conditions:
Glutaric aciduria, type 1. Also called: Glutaricaciduria, type I; Glutaric Acidemia Type 1; Glutaricacidemia Type 1; GA I; Glutaryl-CoA dehydrogenase deficiency; Glutaric acidemia type I. Identifiers: Orphanet 25, MedGen C0268595, MONDO:0009281, OMIM 231670.

Submission:

3billion
Classification: Likely pathogenic for Glutaric aciduria, type 1. Last evaluated: 2022-09-01. Review status: criteria provided, single submitter. Criteria: ACMG Guidelines, 2015. Collection method: clinical testing. Allele origin: germline. Affected: yes. Observed: 1 homozygote.
Comment: The variant is not observed in the gnomAD v2.1.1 dataset. Missense changes are a common disease-causing mechanism. In silico tool predictions suggest damaging effect of the variant on gene or gene product (REVEL: 0.96; 3Cnet: 1.00). The variant has been previously reported to be associated with GCDH-related disorder (PMID: 31062211). However, the evidence of pathogenicity is insufficient at this time. The variant has been reported to be in trans with a pathogenic variant as either compound heterozygous or homozygous in at least one similarly affected unrelated individual (PMID: 31062211). A different missense change at the same codon (p.Met191Thr) has been reported as pathogenic/likely pathogenic with strong evidence (ClinVar ID: VCV000198396). Therefore, this variant is classified as Likely pathogenic according to the recommendation of ACMG/AMP guideline.

Literature cited by the submitters: PubMed 31062211.

NM_000159.4(GCDH):c.572T>G (p.Met191Arg)

Gene: GCDH (glutaryl-CoA dehydrogenase; plus strand). Cytogenetic location: 19p13.13.
Variant type: single nucleotide variant.
Coding change: c.572T>G on transcript NM_000159.4 (MANE Select); coding-DNA position 572, T replaced by G.
Protein change: p.Met191Arg; replaces methionine 191 with arginine.
Molecular consequence: missense variant. On other transcripts: non-coding transcript variant (2).
Genome position (GRCh38, 1-based): chr19:12,896,058, T>G. VCF-style: chr19-12896058-T-G. GRCh37 (hg19) VCF-style: chr19-13006872-T-G.
Other names: c.572T>G, p.Met191Arg (NM_013976.5); short protein forms M191R.
Identifiers: ClinVar variation 1705686 (VCV001705686.1), dbSNP rs149120354, ClinGen allele CA404318138.